The following is an entry in ClinVar:

ClinVar aggregate classification (germline): Uncertain significance (1 of 4 stars; one submission).

Conditions:
Idiopathic generalized epilepsy. Also called: EIG; Generalised epilepsy. Identifiers: MedGen C0270850, MONDO:0005579, OMIM 600669.

gnomAD v4.1: 1 of 1,605,816 alleles (0.000062%); highest among the groups gnomAD compares: Non-Finnish European, 0.000085%; no homozygotes.

Submission:

Labcorp Genetics (formerly Invitae), Labcorp
Classification: Uncertain significance for Idiopathic generalized epilepsy. Last evaluated: 2016-07-19. Review status: criteria provided, single submitter. Criteria: Invitae Variant Classification Sherloc (09022015). Collection method: clinical testing. Allele origin: germline.
Comment: In summary, this variant is a novel missense change with uncertain impact on mRNA splicing. It has been classified as a Variant of Uncertain Significance. Algorithms developed to predict the effect of nucleotide changes on mRNA splicing suggest that this intronic variant may alter mRNA splicing, but this prediction has not been confirmed by published transcriptional studies. This variant is not present in population databases (ExAC no frequency) and has not been reported in the literature in individuals with a RBFOX1-related disease. This sequence change falls in intron 9 of the RBFOX1 mRNA. It does not directly change the encoded amino acid sequence of the RBFOX1 protein.

NM_018723.4(RBFOX1):c.931-5226T>A

Gene: RBFOX1 (RNA binding fox-1 homolog 1; plus strand). Cytogenetic location: 16p13.3.
Variant type: single nucleotide variant.
Coding change: c.931-5226T>A on transcript NM_018723.4 (MANE Select); 5226 bases into the intron before coding-DNA position 931, T replaced by A.
Molecular consequence: intron variant.
Genome position (GRCh38, 1-based): chr16:7,671,548, T>A. VCF-style: chr16-7671548-T-A. GRCh37 (hg19) VCF-style: chr16-7721550-T-A.
Other names: c.931-5226T>A (NM_001364800.2, NM_001142334.2); c.850-5226T>A (NM_001142333.2); c.1060-5226T>A (NM_001308117.1); c.951-9T>A (NM_145893.3, NM_145891.3, NM_145892.3).
Identifiers: ClinVar variation 410098 (VCV000410098.9), dbSNP rs768777551, ClinGen allele CA16614997.